The following is an entry in ClinVar:

ClinVar aggregate classification (germline): Uncertain significance (1 of 4 stars; one submission).

Conditions:
X-linked myopathy with excessive autophagy (AVM). Also called: Vacuolar myopathy; Autophagic vacuolar myopathy. Identifiers: Orphanet 25980, MedGen C1839615, MONDO:0010684, OMIM 310440.

Allele frequency attached by ClinVar (database versions not stated): ESP Exome Variant Server 0.00009; ExAC 0.00001; gnomAD 0.00003 and 0.00002; TOPMed 0.00003; gnomAD exomes 0.00002.
gnomAD v4.1: 9 of 1,206,895 alleles (0.00075%); highest among the groups gnomAD compares: Admixed American, 0.0022%; no homozygotes.

Submission:

Labcorp Genetics (formerly Invitae), Labcorp
Classification: Uncertain significance for X-linked myopathy with excessive autophagy. Last evaluated: 2025-11-05. Review status: criteria provided, single submitter. Criteria: Invitae Variant Classification Sherloc (09022015). Collection method: clinical testing. Allele origin: germline.
Comment: This sequence change replaces threonine, which is neutral and polar, with methionine, which is neutral and non-polar, at codon 29 of the VMA21 protein (p.Thr29Met). This variant is present in population databases (rs148033471, gnomAD 0.004%). This variant has not been reported in the literature in individuals affected with VMA21-related conditions. ClinVar contains an entry for this variant (Variation ID: 1440949). An algorithm developed to predict the effect of missense changes on protein structure and function (PolyPhen-2) suggests that this variant is likely to be disruptive. In summary, the available evidence is currently insufficient to determine the role of this variant in disease. Therefore, it has been classified as a Variant of Uncertain Significance.

NM_001017980.4(VMA21):c.86C>T (p.Thr29Met)

Gene: VMA21 (vacuolar ATPase assembly factor VMA21; plus strand). Cytogenetic location: Xq28.
Variant type: single nucleotide variant.
Coding change: c.86C>T on transcript NM_001017980.4 (MANE Select); coding-DNA position 86, C replaced by T.
Protein change: p.Thr29Met; replaces threonine 29 with methionine.
Molecular consequence: missense variant.
Genome position (GRCh38, 1-based): chrX:151,403,663, C>T. VCF-style: chrX-151403663-C-T. GRCh37 (hg19) VCF-style: chrX-150572135-C-T.
Other names: c.251C>T, p.Thr84Met (NM_001363810.1); short protein forms T29M, T84M.
Identifiers: ClinVar variation 1440949 (VCV001440949.9), dbSNP rs148033471, ClinGen allele CA10540553.